The following is an entry in ClinVar:

ClinVar aggregate classification (germline): Uncertain significance. Review status: criteria provided, multiple submitters, no conflicts (2 of 4 stars). 4 submissions from 4 submitters: Uncertain significance (4). Last evaluated 2025-12-14.

Conditions:
Ullrich congenital muscular dystrophy 2 (UCMD2). Identifiers: Orphanet 75840, MedGen C4225314, MONDO:0014654, OMIM 616470.
Bethlem myopathy 2 (BTHLM2). Identifiers: Orphanet 536516, Orphanet 610, MedGen C4225313, MONDO:0034022, OMIM 616471.
Inborn genetic diseases. Identifiers: MedGen C0950123, MeSH D030342.

Allele frequency attached by ClinVar (database versions not stated): ExAC 0.00002; gnomAD 0.00004; gnomAD exomes 0.00003 and 0.00002; TOPMed 0.00005; ESP Exome Variant Server 0.00008.
gnomAD v4.1: 54 of 1,613,894 alleles (0.0033%); highest among the groups gnomAD compares: Non-Finnish European, 0.0042%; no homozygotes.

Submissions (4):

Labcorp Genetics (formerly Invitae), Labcorp
Classification: Uncertain significance for Bethlem myopathy 2; Ullrich congenital muscular dystrophy 2. Last evaluated: 2025-12-14. Review status: criteria provided, single submitter. Criteria: Invitae Variant Classification Sherloc (09022015). Collection method: clinical testing. Allele origin: germline.
Comment: This sequence change replaces valine, which is neutral and non-polar, with isoleucine, which is neutral and non-polar, at codon 1610 of the COL12A1 protein (p.Val1610Ile). The frequency data for this variant in the population databases is considered unreliable, as metrics indicate poor data quality at this position in the gnomAD database. This variant has not been reported in the literature in individuals affected with COL12A1-related conditions. ClinVar contains an entry for this variant (Variation ID: 1015194). An algorithm developed to predict the effect of missense changes on protein structure and function (PolyPhen-2) suggests that this variant is likely to be disruptive. Algorithms developed to predict the effect of sequence changes on RNA splicing suggest that this variant may create or strengthen a splice site. In summary, the available evidence is currently insufficient to determine the role of this variant in disease. Therefore, it has been classified as a Variant of Uncertain Significance.

GeneDx
Classification: Uncertain significance. Last evaluated: 2025-02-18. Review status: criteria provided, single submitter. Criteria: GeneDx Variant Classification Process June 2021. Collection method: clinical testing. Allele origin: germline. Affected: yes.
Comment: Has not been previously published as pathogenic or benign to our knowledge; In silico analysis indicates that this missense variant does not alter protein structure/function

Ambry Genetics
Classification: Uncertain significance for Inborn genetic diseases. Last evaluated: 2023-05-16. Review status: criteria provided, single submitter. Criteria: Ambry Variant Classification Scheme 2023. Collection method: clinical testing. Allele origin: germline.

Revvity Omics, Revvity
Classification: Uncertain significance. Last evaluated: 2022-05-11. Review status: criteria provided, single submitter. Criteria: ACMG Guidelines, 2015. Collection method: clinical testing. Allele origin: germline.

NM_004370.6(COL12A1):c.4828G>A (p.Val1610Ile)

Gene: COL12A1 (collagen type XII alpha 1 chain; minus strand). Cytogenetic location: 6q13.
Variant type: single nucleotide variant.
Coding change: c.4828G>A on transcript NM_004370.6 (MANE Select); coding-DNA position 4828, G replaced by A.
Protein change: p.Val1610Ile; replaces valine 1610 with isoleucine.
Molecular consequence: missense variant.
Genome position (GRCh38, 1-based): chr6:75,142,161, C>T on the plus strand (G>A on the coding strand, the complement: COL12A1 is on the minus strand). VCF-style: chr6-75142161-C-T. GRCh37 (hg19) VCF-style: chr6-75851877-C-T.
Other names: c.1336G>A, p.Val446Ile (NM_080645.3); short protein forms V1610I, V446I.
Identifiers: ClinVar variation 1015194 (VCV001015194.16), dbSNP rs374525546, ClinGen allele CA3893330.